The following is an entry in ClinVar:

ClinVar aggregate classification (germline): Pathogenic/Likely pathogenic. Review status: criteria provided, multiple submitters, no conflicts (2 of 4 stars). 6 submissions from 6 submitters: Pathogenic (4); Likely pathogenic (1). 1 of the submissions does not count toward it. Last evaluated 2025-07-05.

Conditions:
Hereditary cancer-predisposing syndrome. Also called: Hereditary neoplastic syndrome; Tumor predisposition; Neoplastic Syndromes, Hereditary; Hereditary Cancer Syndrome. Identifiers: Orphanet 140162, MedGen C0027672, MeSH D009386, MONDO:0015356.
Aplastic anemia. Identifiers: Orphanet 182040, Orphanet 88, MedGen C0002874, MONDO:0015909, OMIM 609135, HP:0001915.
Microcephaly, normal intelligence and immunodeficiency (NBS). Also called: Nijmegen breakage syndrome; Microcephaly with normal intelligence immunodeficiency and lymphoreticular malignancies; Nonsyndromal microcephaly autosomal recessive with normal intelligence; Seemanova syndrome 2; SEEMANOVA SYNDROME II; Ataxia telangiectasia variant V1. Identifiers: Orphanet 647, MedGen C0398791, MONDO:0009623, OMIM 251260.

Submissions (6):

Dasa
Classification: Pathogenic for Microcephaly, normal intelligence and immunodeficiency. Last evaluated: 2025-07-05. Review status: criteria provided, single submitter. Criteria: DASA Assertion Criteria. Collection method: clinical testing. Allele origin: germline. Observed: 1 variant allele.
Comment: NM_002485.5(NBN):c.181_182del (p.Asp61*) introduces a premature termination codon resulting in truncation of the NBN protein. Loss-of-function is an established mechanism of disease for this gene. This variant has been reported in ClinVar and observed in individuals with Nijmegen breakage syndrome–related phenotypes. Based on the available data, this variant is classified as Pathogenic.

Baylor Genetics
Classification: Likely pathogenic for Aplastic anemia. Last evaluated: 2023-11-03. Review status: criteria provided, single submitter. Criteria: ACMG Guidelines, 2015. Collection method: clinical testing. Allele origin: unknown.

Ambry Genetics
Classification: Pathogenic for Hereditary cancer-predisposing syndrome. Last evaluated: 2023-02-27. Review status: criteria provided, single submitter. Criteria: Ambry Variant Classification Scheme 2023. Collection method: clinical testing. Allele origin: germline.
Comment: The c.181_182delGA pathogenic mutation, located in coding exon 3 of the NBN gene, results from a deletion of two nucleotides at nucleotide positions 181 to 182, causing a translational frameshift with a predicted alternate stop codon (p.D61*). This alteration is expected to result in loss of function by premature protein truncation or nonsense-mediated mRNA decay. As such, this alteration is interpreted as a disease-causing mutation.

Labcorp Genetics (formerly Invitae), Labcorp
Classification: Pathogenic for Microcephaly, normal intelligence and immunodeficiency. Last evaluated: 2021-12-07. Review status: criteria provided, single submitter. Criteria: Invitae Variant Classification Sherloc (09022015). Collection method: clinical testing. Allele origin: germline.
Comment: This sequence change creates a premature translational stop signal (p.Asp61*) in the NBN gene. It is expected to result in an absent or disrupted protein product. Loss-of-function variants in NBN are known to be pathogenic (PMID: 9590180, 16415040). This variant is present in population databases (rs768378152, gnomAD 0.0009%). This variant has not been reported in the literature in individuals affected with NBN-related conditions. ClinVar contains an entry for this variant (Variation ID: 186540). For these reasons, this variant has been classified as Pathogenic.

Genome-Nilou Lab
Classification: Pathogenic for Microcephaly, normal intelligence and immunodeficiency. Last evaluated: 2021-11-07. Review status: criteria provided, single submitter. Criteria: ACMG Guidelines, 2015. Collection method: clinical testing. Allele origin: germline. Affected: no.

Counsyl
Classification: Likely pathogenic for Microcephaly, normal intelligence and immunodeficiency. Last evaluated: 2018-02-15. Review status: no assertion criteria provided. Collection method: clinical testing. Allele origin: unknown. Not counted in ClinVar's aggregate classification.

Literature cited by the submitters: PubMed 9590180 (cited by Labcorp Genetics (formerly Invitae), Labcorp); PubMed 16415040 (cited by Labcorp Genetics (formerly Invitae), Labcorp).

NM_002485.5(NBN):c.181_182del (p.Thr60_Asp61insTer)

Gene: NBN (nibrin; minus strand). Cytogenetic location: 8q21.3.
Variant type: Deletion.
Coding change: c.181_182del on transcript NM_002485.5 (MANE Select); coding-DNA positions 181 to 182, 2 bases deleted (GA; older notation c.181_182delGA).
Protein change: p.Thr60_Asp61insTer.
Molecular consequence: nonsense. On other transcripts: 5 prime UTR variant (1).
Genome position (GRCh38, 1-based): chr8:89,981,513-89,981,514, TC deleted on the plus strand (GA on the coding strand, the reverse complement: NBN is on the minus strand); deleting any 2 consecutive bases within chr8:89,981,513-89,981,515 gives the same sequence; the c. name uses the placement nearest the transcript's 3' end. VCF-style (leftmost placement, unchanged base first): chr8-89981512-ATC-A. GRCh37 (hg19) VCF-style: chr8-90993740-ATC-A.
Other names: c.-66_-65del (NM_001024688.3); c.181_182delGA (NM_002485.4).
Identifiers: ClinVar variation 186540 (VCV000186540.24), dbSNP rs768378152, ClinGen allele CA195119.
Genomic context (GRCh38, chr8:89,981,512, plus strand): 5'-TTCCTCATTAACAAAGGTACCATACTTAGAATTATCTTTTAATGTCAATACAGGGATTTC[ATC>A]TGTTTGACTCTGAAAAGTTAGCAAATAATTTAAAGTCTTTTACCACTCAGTACATTCACT-3'